The following is an entry in ClinVar:

NM_000218.3(KCNQ1):c.1747C>A (p.Arg583Ser)

Gene: KCNQ1 (potassium voltage-gated channel subfamily Q member 1; plus strand). Cytogenetic location: 11p15.5.
Variant type: single nucleotide variant.
Coding change: c.1747C>A on transcript NM_000218.3 (MANE Select); coding-DNA position 1747, C replaced by A.
Protein change: p.Arg583Ser; replaces arginine 583 with serine.
Molecular consequence: missense variant.
Genome position (GRCh38, 1-based): chr11:2,777,990, C>A. VCF-style: chr11-2777990-C-A. GRCh37 (hg19) VCF-style: chr11-2799220-C-A.
Other names: c.1651C>A, p.Arg551Ser (NM_001406836.1); c.1477C>A, p.Arg493Ser (NM_001406837.1); c.1207C>A, p.Arg403Ser (NM_001406838.1); c.259C>A, p.Arg87Ser (NM_001406839.1); c.1366C>A, p.Arg456Ser (NM_181798.2); short protein forms R456S, R583S, R493S, R403S, R87S, R551S.
Identifiers: ClinVar variation 1406429 (VCV001406429.7), dbSNP rs17221854, ClinGen allele CA379139641.

ClinVar aggregate classification (germline): Uncertain significance (1 of 4 stars; one submission).

Conditions:
Long QT syndrome (LQTS). Identifiers: MedGen C0023976, MeSH D008133, MONDO:0002442. Disease mechanism: loss of function. Inheritance: Various modes of inheritance.

gnomAD v4.1: 1 of 1,613,808 alleles (0.000062%); highest among the groups gnomAD compares: Non-Finnish European, 0.000085%; no homozygotes.

Submission:

Labcorp Genetics (formerly Invitae), Labcorp
Classification: Uncertain significance for Long QT syndrome. Last evaluated: 2022-03-22. Review status: criteria provided, single submitter. Criteria: Invitae Variant Classification Sherloc (09022015). Collection method: clinical testing. Allele origin: germline.
Comment: This sequence change replaces arginine, which is basic and polar, with serine, which is neutral and polar, at codon 583 of the KCNQ1 protein (p.Arg583Ser). In summary, the available evidence is currently insufficient to determine the role of this variant in disease. Therefore, it has been classified as a Variant of Uncertain Significance. Algorithms developed to predict the effect of missense changes on protein structure and function are either unavailable or do not agree on the potential impact of this missense change (SIFT: "Deleterious"; PolyPhen-2: "Possibly Damaging"; Align-GVGD: "Class C0"). This variant has not been reported in the literature in individuals affected with KCNQ1-related conditions. This variant is not present in population databases (gnomAD no frequency).